The following is an entry in ClinVar:

NM_004990.4(MARS1):c.1159C>G (p.Leu387Val)

Gene: MARS1 (methionyl-tRNA synthetase 1; plus strand). Cytogenetic location: 12q13.3.
Variant type: single nucleotide variant.
Coding change: c.1159C>G on transcript NM_004990.4 (MANE Select); coding-DNA position 1159, C replaced by G.
Protein change: p.Leu387Val; replaces leucine 387 with valine.
Molecular consequence: missense variant.
Genome position (GRCh38, 1-based): chr12:57,500,388, C>G. VCF-style: chr12-57500388-C-G. GRCh37 (hg19) VCF-style: chr12-57894171-C-G.
Other names: short protein forms L387V.
Identifiers: ClinVar variation 3755026 (VCV003755026.2).
Genomic context (GRCh38, chr12:57,500,388, plus strand): 5'-CAGGACATTTTCCAGCAGTTGCTGAAACGAGGTTTTGTGCTGCAAGATACTGTGGAGCAA[C>G]TGCGATGTGAGCACTGTGCTCGCTTCCTGGCTGACCGCTTCGTGGAGGGCGTGTGTCCCT-3'
Protein context (NP_004981.2, residues 377-397): GFVLQDTVEQ[Leu387Val]RCEHCARFLA

ClinVar aggregate classification (germline): Uncertain significance (1 of 4 stars; one submission).

Conditions:
Severe early-onset pulmonary alveolar proteinosis due to MARS deficiency. Also called: PULMONARY ALVEOLAR PROTEINOSIS, REUNION ISLAND; Interstitial lung and liver disease. Identifiers: Orphanet 440427, MedGen C4225400, MONDO:0014206, OMIM 615486.
Charcot-Marie-Tooth disease axonal type 2U. Also called: CHARCOT-MARIE-TOOTH NEUROPATHY, TYPE 2U; CHARCOT-MARIE-TOOTH DISEASE, AXONAL, AUTOSOMAL DOMINANT, TYPE 2U. Identifiers: Orphanet 397735, MedGen C4084821, MONDO:0014566, OMIM 616280.

gnomAD v4.1: 1 of 1,614,098 alleles (0.000062%); highest among the groups gnomAD compares: Non-Finnish European, 0.000085%; no homozygotes.

Submission:

Labcorp Genetics (formerly Invitae), Labcorp
Classification: Uncertain significance for Charcot-Marie-Tooth disease axonal type 2U; Severe early-onset pulmonary alveolar proteinosis due to MARS deficiency. Last evaluated: 2024-03-01. Review status: criteria provided, single submitter. Criteria: Invitae Variant Classification Sherloc (09022015). Collection method: clinical testing. Allele origin: germline.
Comment: This sequence change replaces leucine, which is neutral and non-polar, with valine, which is neutral and non-polar, at codon 387 of the MARS protein (p.Leu387Val). This variant is not present in population databases (gnomAD no frequency). This variant has not been reported in the literature in individuals affected with MARS-related conditions. An algorithm developed to predict the effect of missense changes on protein structure and function (PolyPhen-2) suggests that this variant is likely to be disruptive. In summary, the available evidence is currently insufficient to determine the role of this variant in disease. Therefore, it has been classified as a Variant of Uncertain Significance.